The following is an entry in ClinVar:

NM_005660.3(SLC35A2):c.781C>T (p.Arg261Cys)

Gene: SLC35A2 (solute carrier family 35 member A2; minus strand). Cytogenetic location: Xp11.23.
Variant type: single nucleotide variant.
Coding change: c.781C>T on transcript NM_005660.3 (MANE Select); coding-DNA position 781, C replaced by T.
Protein change: p.Arg261Cys; replaces arginine 261 with cysteine.
Molecular consequence: missense variant. On other transcripts: intron variant (3).
Genome position (GRCh38, 1-based): chrX:48,905,128, G>A on the plus strand (C>T on the coding strand, the complement: SLC35A2 is on the minus strand). VCF-style: chrX-48905128-G-A. GRCh37 (hg19) VCF-style: chrX-48762405-G-A.
Other names: c.781C>T, p.Arg261Cys (NM_001042498.3); c.598C>T, p.Arg200Cys (NM_001282649.2); c.820C>T, p.Arg274Cys (NM_001282650.2); c.865C>T, p.Arg289Cys (NM_001282651.2); c.427-236C>T (NM_001282647.2, NM_001032289.3); c.355-236C>T (NM_001282648.2); short protein forms R200C, R261C, R289C, R274C.
Identifiers: ClinVar variation 1425165 (VCV001425165.8), dbSNP rs1557042814, ClinGen allele CA412895233.

ClinVar aggregate classification (germline): Uncertain significance (1 of 4 stars; one submission).

Conditions:
SLC35A2-congenital disorder of glycosylation. Also called: DEVELOPMENTAL AND EPILEPTIC ENCEPHALOPATHY 22; SLC35A2-CDG; EPILEPTIC ENCEPHALOPATHY, EARLY INFANTILE, 22; CONGENITAL DISORDER OF GLYCOSYLATION, TYPE IIm; CDG IIm; CONGENITAL DISORDER OF GLYCOSYLATION, TYPE IIm, SOMATIC MOSAIC. Identifiers: Orphanet 356961, MedGen C3806688, MONDO:0010478, OMIM 300896.

Allele frequency attached by ClinVar (database versions not stated): gnomAD exomes below 0.00001.

Submission:

Labcorp Genetics (formerly Invitae), Labcorp
Classification: Uncertain significance for SLC35A2-congenital disorder of glycosylation. Last evaluated: 2024-05-27. Review status: criteria provided, single submitter. Criteria: Invitae Variant Classification Sherloc (09022015). Collection method: clinical testing. Allele origin: germline.
Comment: This sequence change replaces arginine, which is basic and polar, with cysteine, which is neutral and slightly polar, at codon 261 of the SLC35A2 protein (p.Arg261Cys). This variant is not present in population databases (gnomAD no frequency). This variant has not been reported in the literature in individuals affected with SLC35A2-related conditions. ClinVar contains an entry for this variant (Variation ID: 1425165). Advanced modeling of protein sequence and biophysical properties (such as structural, functional, and spatial information, amino acid conservation, physicochemical variation, residue mobility, and thermodynamic stability) has been performed at Invitae for this missense variant, however the output from this modeling did not meet the statistical confidence thresholds required to predict the impact of this variant on SLC35A2 protein function. In summary, the available evidence is currently insufficient to determine the role of this variant in disease. Therefore, it has been classified as a Variant of Uncertain Significance.